The following is an entry in ClinVar:

ClinVar aggregate classification (germline): Uncertain significance (1 of 4 stars; one submission).

Submission:

Labcorp Genetics (formerly Invitae), Labcorp
Classification: Uncertain significance. Last evaluated: 2025-02-06. Review status: criteria provided, single submitter. Criteria: Invitae Variant Classification Sherloc (09022015). Collection method: clinical testing. Allele origin: germline.
Comment: This sequence change replaces arginine, which is basic and polar, with tryptophan, which is neutral and slightly polar, at codon 1919 of the SCN3A protein (p.Arg1919Trp). This variant is not present in population databases (gnomAD no frequency). This variant has not been reported in the literature in individuals affected with SCN3A-related conditions. ClinVar contains an entry for this variant (Variation ID: 1412488). Invitae Evidence Modeling of protein sequence and biophysical properties (such as structural, functional, and spatial information, amino acid conservation, physicochemical variation, residue mobility, and thermodynamic stability) indicates that this missense variant is not expected to disrupt SCN3A protein function with a negative predictive value of 80%. In summary, the available evidence is currently insufficient to determine the role of this variant in disease. Therefore, it has been classified as a Variant of Uncertain Significance.

NM_006922.4(SCN3A):c.5755A>T (p.Arg1919Trp)

Gene: SCN3A (sodium voltage-gated channel alpha subunit 3; minus strand). Cytogenetic location: 2q24.3.
Variant type: single nucleotide variant.
Coding change: c.5755A>T on transcript NM_006922.4 (MANE Select); coding-DNA position 5755, A replaced by T.
Protein change: p.Arg1919Trp; replaces arginine 1919 with tryptophan.
Molecular consequence: missense variant.
Genome position (GRCh38, 1-based): chr2:165,090,398, T>A on the plus strand (A>T on the coding strand, the complement: SCN3A is on the minus strand). VCF-style: chr2-165090398-T-A. GRCh37 (hg19) VCF-style: chr2-165946908-T-A.
Other names: c.5608A>T, p.Arg1870Trp (NM_001081676.2, NM_001081677.2); short protein forms R1870W, R1919W.
Identifiers: ClinVar variation 1412488 (VCV001412488.6), dbSNP rs2105616990, ClinGen allele CA349009851.